The following is an entry in ClinVar:

ClinVar aggregate classification (germline): Uncertain significance (1 of 4 stars; one submission).

Submission:

GeneDx
Classification: Uncertain significance. Last evaluated: 2022-01-21. Review status: criteria provided, single submitter. Criteria: GeneDx Variant Classification Process June 2021. Collection method: clinical testing. Allele origin: germline. Affected: yes.
Comment: Reported previously in a patient with severe adolescent idiopathic scoliosis; however, this variant was also identified in the patient's mother and maternal grandmother who had no symptoms noted (Buchan et al., 2014); Not observed at significant frequency in large population cohorts (gnomAD); At the protein level, in silico analysis supports that this missense variant has a deleterious effect on protein structure/function; At the mRNA level, in silico analysis, which includes splice predictors and evolutionary conservation, suggests this variant may impact gene splicing. In the absence of RNA/functional studies, the actual effect of this sequence change is unknown; Although located in a calcium-binding EGF-like domain of the FBN2 gene, it does not affect a cysteine residue within this domain; cysteine substitutions in the calcium-binding EGF-like domains represent the majority of pathogenic missense changes associated with FBN2-related disorders (Frederic et al., 2009).; This variant is associated with the following publications: (PMID: 31624054, 24833718)

NM_001999.4(FBN2):c.3347T>G (p.Ile1116Ser)

Gene: FBN2 (fibrillin 2; minus strand). Cytogenetic location: 5q23.3.
Variant type: single nucleotide variant.
Coding change: c.3347T>G on transcript NM_001999.4 (MANE Select); coding-DNA position 3347, T replaced by G.
Protein change: p.Ile1116Ser; replaces isoleucine 1116 with serine.
Molecular consequence: missense variant.
Genome position (GRCh38, 1-based): chr5:128,339,058, A>C on the plus strand (T>G on the coding strand, the complement: FBN2 is on the minus strand). VCF-style: chr5-128339058-A-C. GRCh37 (hg19) VCF-style: chr5-127674750-A-C.
Other names: short protein forms I1116S.
Identifiers: ClinVar variation 1698039 (VCV001698039.2), dbSNP rs2126903891, ClinGen allele CA360760091.